The following is an entry in ClinVar:

NM_001927.4(DES):c.344T>C (p.Leu115Pro)

Gene: DES (desmin; plus strand). Cytogenetic location: 2q35.
Variant type: single nucleotide variant.
Coding change: c.344T>C on transcript NM_001927.4 (MANE Select); coding-DNA position 344, T replaced by C.
Protein change: p.Leu115Pro; replaces leucine 115 with proline.
Molecular consequence: missense variant.
Genome position (GRCh38, 1-based): chr2:219,418,806, T>C. VCF-style: chr2-219418806-T-C. GRCh37 (hg19) VCF-style: chr2-220283528-T-C.
Other names: c.344T>C, p.Leu115Pro (NM_001382708.1, NM_001382709.1, NM_001382710.1 and 3 more transcripts); short protein forms L115P.
Identifiers: ClinVar variation 1488475 (VCV001488475.8), dbSNP rs2125166259, ClinGen allele CA350685393.
Genomic context (GRCh38, chr2:219,418,806, plus strand): 5'-ACGCGGTGAACCAGGAGTTTCTGACCACGCGCACCAACGAGAAGGTGGAGCTGCAGGAGC[T>C]CAATGACCGCTTCGCCAACTACATCGAGAAGGTGCGCTTCCTGGAGCAGCAGAACGCGGC-3'
Protein context (NP_001918.3, residues 105-125): RTNEKVELQE[Leu115Pro]NDRFANYIEK

ClinVar aggregate classification (germline): Uncertain significance (1 of 4 stars; one submission).

Conditions:
Desmin-related myofibrillar myopathy (MFM1). Also called: Desminopathy; Myofibrillar myopathy 1; MYOFIBRILLAR MYOPATHY WITH ARRHYTHMOGENIC RIGHT VENTRICULAR CARDIOMYOPATHY; DESMIN-RELATED MYOPATHY WITH ARRHYTHMOGENIC RIGHT VENTRICULAR CARDIOMYOPATHY; Desmin related myopathy (former name); Desmin storage myopathy (former name). Identifiers: Orphanet 363543, Orphanet 98909, MedGen C1832370, MONDO:0011076, OMIM 601419.

Submission:

Labcorp Genetics (formerly Invitae), Labcorp
Classification: Uncertain significance for Desmin-related myofibrillar myopathy. Last evaluated: 2021-02-22. Review status: criteria provided, single submitter. Criteria: Invitae Variant Classification Sherloc (09022015). Collection method: clinical testing. Allele origin: germline.
Comment: In summary, the available evidence is currently insufficient to determine the role of this variant in disease. Therefore, it has been classified as a Variant of Uncertain Significance. Algorithms developed to predict the effect of missense changes on protein structure and function are either unavailable or do not agree on the potential impact of this missense change (SIFT: "Deleterious"; PolyPhen-2: "Probably Damaging"; Align-GVGD: "Class C0"). This variant has not been reported in the literature in individuals with DES-related conditions. This variant is not present in population databases (ExAC no frequency). This sequence change replaces leucine with proline at codon 115 of the DES protein (p.Leu115Pro). The leucine residue is highly conserved and there is a moderate physicochemical difference between leucine and proline.